The following is an entry in ClinVar:

ClinVar aggregate classification (germline): Likely pathogenic (1 of 4 stars; one submission).

Submission:

Labcorp Genetics (formerly Invitae), Labcorp
Classification: Likely pathogenic. Last evaluated: 2025-01-23. Review status: criteria provided, single submitter. Criteria: Invitae Variant Classification Sherloc (09022015). Collection method: clinical testing. Allele origin: germline.
Comment: This sequence change replaces glycine, which is neutral and non-polar, with aspartic acid, which is acidic and polar, at codon 516 of the COL4A1 protein (p.Gly516Asp). This variant is not present in population databases (gnomAD no frequency). This variant has not been reported in the literature in individuals affected with COL4A1-related conditions. ClinVar contains an entry for this variant (Variation ID: 2806568). Invitae Evidence Modeling of protein sequence and biophysical properties (such as structural, functional, and spatial information, amino acid conservation, physicochemical variation, residue mobility, and thermodynamic stability) indicates that this missense variant is expected to disrupt COL4A1 protein function with a positive predictive value of 95%. This variant disrupts the triple helix domain of COL4A1. Glycine residues within the Gly-Xaa-Yaa repeats of the triple helix domain are required for the structure and stability of fibrillar collagens (PMID: 7695699, 8218237, 19344236). In COL4A1 variants affecting these glycine residues are significantly enriched in individuals with disease (PMID: 9016532, 17078022) compared to the general population (ExAC). In summary, the currently available evidence indicates that the variant is pathogenic, but additional data are needed to prove that conclusively. Therefore, this variant has been classified as Likely Pathogenic.

Literature cited by the submitters: PubMed 7695699; PubMed 8218237; PubMed 19344236; PubMed 9016532; PubMed 17078022.

NM_001845.6(COL4A1):c.1547G>A (p.Gly516Asp)

Gene: COL4A1 (collagen type IV alpha 1 chain; minus strand). Cytogenetic location: 13q34.
Variant type: single nucleotide variant.
Coding change: c.1547G>A on transcript NM_001845.6 (MANE Select); coding-DNA position 1547, G replaced by A.
Protein change: p.Gly516Asp; replaces glycine 516 with aspartic acid.
Molecular consequence: missense variant.
Genome position (GRCh38, 1-based): chr13:110,187,319, C>T on the plus strand (G>A on the coding strand, the complement: COL4A1 is on the minus strand). VCF-style: chr13-110187319-C-T. GRCh37 (hg19) VCF-style: chr13-110839666-C-T.
Other names: short protein forms G516D.
Identifiers: ClinVar variation 2806568 (VCV002806568.3), dbSNP rs2501800972, ClinGen allele CA388723220.